The following is an entry in ClinVar:

ClinVar aggregate classification (germline): Pathogenic (1 of 4 stars; one submission).

Submission:

Labcorp Genetics (formerly Invitae), Labcorp
Classification: Pathogenic. Last evaluated: 2022-07-30. Review status: criteria provided, single submitter. Criteria: Invitae Variant Classification Sherloc (09022015). Collection method: clinical testing. Allele origin: germline.
Comment: This sequence change creates a premature translational stop signal (p.Ala27Leufs*7) in the CERKL gene. It is expected to result in an absent or disrupted protein product. Loss-of-function variants in CERKL are known to be pathogenic (PMID: 14681825, 23591405, 24043777). For these reasons, this variant has been classified as Pathogenic. This variant has not been reported in the literature in individuals affected with CERKL-related conditions. This variant is not present in population databases (gnomAD no frequency).

Literature cited by the submitters: PubMed 14681825; PubMed 23591405; PubMed 24043777.

NM_201548.5(CERKL):c.78del (p.Ala27fs)

Gene: CERKL (CERK like autophagy regulator; minus strand). Cytogenetic location: 2q31.3.
Variant type: Deletion.
Coding change: c.78del on transcript NM_201548.5 (MANE Select); coding-DNA position 78, one base deleted (C; older notation c.78delC).
Protein change: p.Ala27fs; shifts the reading frame from alanine 27.
Molecular consequence: frameshift variant. On other transcripts: non-coding transcript variant (2).
Genome position (GRCh38, 1-based): chr2:181,656,929, G deleted on the plus strand (C on the coding strand, the reverse complement: CERKL is on the minus strand); the first of 2 consecutive G bases (chr2:181,656,929-181,656,930); deleting either gives the same sequence. VCF-style (leftmost placement, unchanged base first): chr2-181656928-CG-C. GRCh37 (hg19) VCF-style: chr2-182521655-CG-C.
Other names: c.78del, p.Ala27fs (NM_001030311.3, NM_001030312.3, NM_001030313.3 and 1 more transcripts); c.77delC, p.Ala27Leufs (NM_001030314.1, NM_001030315.1); short protein forms A27fs.
Identifiers: ClinVar variation 2020568 (VCV002020568.4), dbSNP rs2468583114, ClinGen allele CA2580065245.
Genomic context (GRCh38, chr2:181,656,928, plus strand): 5'-GAATCCGCTCGGCCGCCGCCTCCGTCTGCTGCGGGGACGTTAACAGCGCCGGAGGCACAG[CG>C]GCAGCCTCCGGGGGCGCCTCTTCCTCCCGGCCGCCCTCCAGGGCACTCACCCGGTTCCTG-3'